The following is an entry in ClinVar:

NM_001395656.1(ROBO2):c.335C>T (p.Ala112Val)

Gene: ROBO2 (roundabout guidance receptor 2; plus strand). Cytogenetic location: 3p12.3.
Variant type: single nucleotide variant.
Coding change: c.335C>T on transcript NM_001395656.1 (MANE Select); coding-DNA position 335, C replaced by T.
Protein change: p.Ala112Val; replaces alanine 112 with valine.
Molecular consequence: missense variant. On other transcripts: 5 prime UTR variant (1).
Genome position (GRCh38, 1-based): chr3:77,098,287, C>T. VCF-style: chr3-77098287-C-T. GRCh37 (hg19) VCF-style: chr3-77147438-C-T.
Other names: c.383C>T, p.Ala128Val (NM_001128929.3, NM_001378190.1, NM_001378191.1 and 5 more transcripts); c.335C>T, p.Ala112Val (NM_001290039.2, NM_001290040.2, NM_001378193.1 and 3 more transcripts); c.-1584C>T (NM_001290065.2); c.404C>T, p.Ala135Val (NM_001378192.1, NM_001378194.1, NM_001378198.1 and 5 more transcripts); short protein forms A112V, A128V, A135V.
Identifiers: ClinVar variation 224346 (VCV000224346.4), dbSNP rs780623744, ClinGen allele CA2496688.

ClinVar aggregate classification (germline): Conflicting classifications of pathogenicity. Review status: criteria provided, conflicting classifications (1 of 4 stars). 3 submissions from 3 submitters: Uncertain significance (2); Likely benign (1). Last evaluated 2023-12-21.

Conditions:
Congenital anomaly of kidney and urinary tract. Also called: Congenital anomalies of kidney and urinary tract; Congenital anomalies of the kidney and urinary tract. Identifiers: Orphanet 93545, MedGen C1968949, MeSH C566906, MONDO:0019719.
Vesicoureteral reflux 2 (VUR2). Identifiers: Orphanet 289365, MedGen C1970483, MONDO:0012573, OMIM 610878.

Allele frequency attached by ClinVar (database versions not stated): TOPMed 0.00001.
gnomAD v4.1: 15 of 1,614,052 alleles (0.00093%); highest among the groups gnomAD compares: Admixed American, 0.018%; no homozygotes.

Submissions (3):

Fulgent Genetics
Classification: Uncertain significance for Vesicoureteral reflux 2. Last evaluated: 2023-12-21. Review status: criteria provided, single submitter. Criteria: ACMG Guidelines, 2015. Collection method: clinical testing. Allele origin: germline.

Institute of Human Genetics, University of Leipzig Medical Center
Classification: Likely benign for Congenital anomaly of kidney and urinary tract. Last evaluated: 2021-01-09. Review status: criteria provided, single submitter. Criteria: ACMG Guidelines, 2015. Collection method: curation. Allele origin: germline. Affected: yes.
Comment: This ROBO2 variant was reported as Uncertain Significance in PMID: 27657687 with original nomenclature reported as c.C335T, p.A112V. Variant was re-classified as Likely Benign based on the criteria PM1_Moderate, PM2_Supporting, BS1_Moderate, BS2_Moderate.

Lupski Lab, Baylor-Hopkins CMG, Baylor College of Medicine
Classification: Uncertain significance for Vesicoureteral reflux 2. Review status: criteria provided, single submitter. Criteria: Bekheirnia et al. (Genet Med. 2016). Collection method: research. Allele origin: unknown. Inheritance: Autosomal dominant inheritance. Affected: no. Observed: 1 heterozygote.

Literature cited by the submitters: PubMed 27657687 (cited by Institute of Human Genetics, University of Leipzig Medical Center).